The following is an entry in ClinVar:

NM_003041.4(SLC5A2):c.60T>C (p.Ile20=)

Gene: SLC5A2 (solute carrier family 5 member 2; plus strand). Cytogenetic location: 16p11.2.
Variant type: single nucleotide variant.
Coding change: c.60T>C on transcript NM_003041.4 (MANE Select); coding-DNA position 60, T replaced by C.
Protein change: p.Ile20=; no amino-acid change (isoleucine 20 retained).
Molecular consequence: synonymous variant. On other transcripts: non-coding transcript variant (1).
Genome position (GRCh38, 1-based): chr16:31,483,196, T>C. VCF-style: chr16-31483196-T-C. GRCh37 (hg19) VCF-style: chr16-31494517-T-C.
Identifiers: ClinVar variation 777013 (VCV000777013.9), dbSNP rs114050461, ClinGen allele CA8030581.

ClinVar aggregate classification (germline): Benign. Review status: criteria provided, multiple submitters, no conflicts (2 of 4 stars). 3 submissions from 3 submitters: Benign (3). Last evaluated 2019-12-31.

Conditions:
Familial renal glucosuria (GLYS). Also called: RENAL GLUCOSURIA, AUTOSOMAL DOMINANT; Familial renal glycosuria. Identifiers: Orphanet 69076, MedGen C3245525, MONDO:0009297, OMIM 233100.

Allele frequency attached by ClinVar (database versions not stated): gnomAD exomes 0.00058 and 0.00168; ExAC 0.00220; gnomAD 0.00647 and 0.00699; TOPMed 0.00696; 1000 Genomes Project 0.00759; ESP Exome Variant Server 0.00785; 1000 Genomes Project 30x 0.00874.

Submissions (3):

Labcorp Genetics (formerly Invitae), Labcorp
Classification: Benign. Last evaluated: 2019-12-31. Review status: criteria provided, single submitter. Criteria: Invitae Variant Classification Sherloc (09022015). Collection method: clinical testing. Allele origin: germline.

Illumina Laboratory Services, Illumina
Classification: Benign for Familial renal glucosuria. Last evaluated: 2018-01-12. Review status: criteria provided, single submitter. Criteria: ICSL Variant Classification Criteria 13 December 2019. Collection method: clinical testing. Allele origin: germline.
Comment: This variant was observed in the ICSL laboratory as part of a predisposition screen in an ostensibly healthy population. It had not been previously curated by ICSL or reported in the Human Gene Mutation Database (HGMD: prior to June 1st, 2018), and was therefore a candidate for classification through an automated scoring system. Utilizing variant allele frequency, disease prevalence and penetrance estimates, and inheritance mode, an automated score was calculated to assess if this variant is too frequent to cause the disease. Based on the score and internal cut-off values, a variant classified as benign is not then subjected to further curation. The score for this variant resulted in a classification of benign for this disease.

Breakthrough Genomics
Classification: Benign. Review status: criteria provided, single submitter. Criteria: ACMG Guidelines, 2015. Collection method: not provided. Allele origin: germline. Inheritance: Autosomal dominant inheritance. Affected: yes.